The following is an entry in ClinVar:

ClinVar aggregate classification (germline): Likely pathogenic. Review status: criteria provided, multiple submitters, no conflicts (2 of 4 stars). 3 submissions from 3 submitters: Likely pathogenic (3). Last evaluated 2025-10-06.

Conditions:
Inherited Immunodeficiency Diseases. Identifiers: MedGen C5197805, MeSH D000081207.
Trichohepatoenteric syndrome 1 (THES1). Also called: DIARRHEA, FATAL INFANTILE, WITH TRICHORRHEXIS NODOSA. Identifiers: Orphanet 84064, MedGen C4551982, MONDO:0024541, OMIM 222470.

Allele frequency attached by ClinVar (database versions not stated): TOPMed 0.00001.
gnomAD v4.1: 66 of 1,613,744 alleles (0.0041%); highest among the groups gnomAD compares: Non-Finnish European, 0.0054%; no homozygotes.

Submissions (3):

Labcorp Genetics (formerly Invitae), Labcorp
Classification: Likely pathogenic. Last evaluated: 2025-10-06. Review status: criteria provided, single submitter. Criteria: Invitae Variant Classification Sherloc (09022015). Collection method: clinical testing. Allele origin: germline.
Comment: This sequence change affects a donor splice site in intron 18 of the TTC37 gene. It is expected to disrupt RNA splicing. Variants that disrupt the donor or acceptor splice site typically lead to a loss of protein function (PMID: 16199547), and loss-of-function variants in TTC37 are known to be pathogenic (PMID: 20176027, 21120949). This variant is not present in population databases (gnomAD no frequency). Disruption of this splice site has been observed in individual(s) with combined immunodeficiency (PMID: 32499645). ClinVar contains an entry for this variant (Variation ID: 827750). Algorithms developed to predict the effect of sequence changes on RNA splicing suggest that this variant may disrupt the consensus splice site. In summary, the currently available evidence indicates that the variant is pathogenic, but additional data are needed to prove that conclusively. Therefore, this variant has been classified as Likely Pathogenic.

Fulgent Genetics
Classification: Likely pathogenic for Trichohepatoenteric syndrome 1. Last evaluated: 2021-12-16. Review status: criteria provided, single submitter. Criteria: ACMG Guidelines, 2015. Collection method: clinical testing. Allele origin: unknown.

NIHR Bioresource Rare Diseases, University of Cambridge
Classification: Likely pathogenic for Inherited Immunodeficiency Diseases. Last evaluated: 2019-01-01. Review status: criteria provided, single submitter. Criteria: ACMG Guidelines, 2015. Collection method: research. Allele origin: germline. Affected: yes. Observed: 1 heterozygote.

Literature cited by the submitters: PubMed 16199547 (cited by Labcorp Genetics (formerly Invitae), Labcorp); PubMed 20176027 (cited by Labcorp Genetics (formerly Invitae), Labcorp); PubMed 21120949 (cited by Labcorp Genetics (formerly Invitae), Labcorp); PubMed 32499645 (cited by Labcorp Genetics (formerly Invitae), Labcorp).

NM_014639.4(SKIC3):c.1757+1G>A

Gene: SKIC3 (SKI3 subunit of superkiller complex; minus strand). Cytogenetic location: 5q15.
Variant type: single nucleotide variant.
Coding change: c.1757+1G>A on transcript NM_014639.4 (MANE Select); the canonical splice donor site of the intron after coding-DNA position 1757, G replaced by A.
Molecular consequence: splice donor variant.
Genome position (GRCh38, 1-based): chr5:95,523,201, C>T on the plus strand (G>A on the coding strand, the complement: SKIC3 is on the minus strand). VCF-style: chr5-95523201-C-T. GRCh37 (hg19) VCF-style: chr5-94858905-C-T.
Identifiers: ClinVar variation 827750 (VCV000827750.3), dbSNP rs570910902, ClinGen allele CA122860434.
Genomic context (GRCh38, chr5:95,523,201, plus strand): 5'-GCTTAATTTAAGGAACCGTTATGCTTGTCTAACATAGTTTAAATACAATAAGGTGCCTTA[C>T]TCAGCCACTGCTTGAGAATGCTGACCAGCTTTCAAATAGTATAGTCCTCGCCTAAGCCAG-3'